The following is an entry in ClinVar:

NM_002485.5(NBN):c.2198dup (p.His733fs)

Gene: NBN (nibrin; minus strand). Cytogenetic location: 8q21.3.
Variant type: Duplication.
Coding change: c.2198dup on transcript NM_002485.5 (MANE Select); coding-DNA position 2198, one base duplicated (A; older notation c.2198dupA).
Protein change: p.His733fs; shifts the reading frame from histidine 733.
Molecular consequence: frameshift variant.
Genome position (GRCh38, 1-based): chr8:89,937,062, T duplicated on the plus strand (A on the coding strand, the reverse complement: NBN is on the minus strand). VCF-style (leftmost placement, unchanged base first): chr8-89937061-A-AT. GRCh37 (hg19) VCF-style: chr8-90949289-A-AT.
Other names: c.1952dup, p.His651fs (NM_001024688.3); short protein forms H651fs, H733fs.
Identifiers: ClinVar variation 2764537 (VCV002764537.3), dbSNP rs2488169694, ClinGen allele CA2697550003.
Genomic context (GRCh38, chr8:89,937,061, plus strand): 5'-ATGAGAAAGGTGAATCAAACTTTACCTAAAAAGATCATCAGCAAGAGACTCTTCTTTTGC[A>AT]TGTTGATTTTGTACCTGTCAAAATTAACATAATTTCAAACATTTGCTCAGTGGTGAATAT-3'

ClinVar aggregate classification (germline): Uncertain significance (1 of 4 stars; one submission).

Conditions:
Microcephaly, normal intelligence and immunodeficiency (NBS). Also called: IMMUNODEFICIENCY, MICROCEPHALY, AND CHROMOSOMAL INSTABILITY; SEEMANOVA SYNDROME II; Nijmegen breakage syndrome; Microcephaly with normal intelligence immunodeficiency and lymphoreticular malignancies; Nonsyndromal microcephaly autosomal recessive with normal intelligence; Seemanova syndrome 2. Identifiers: Orphanet 647, MedGen C0398791, MONDO:0009623, OMIM 251260.

Submission:

Labcorp Genetics (formerly Invitae), Labcorp
Classification: Uncertain significance for Microcephaly, normal intelligence and immunodeficiency. Last evaluated: 2023-09-30. Review status: criteria provided, single submitter. Criteria: Invitae Variant Classification Sherloc (09022015). Collection method: clinical testing. Allele origin: germline.
Comment: This variant is not present in population databases (gnomAD no frequency). This variant has not been reported in the literature in individuals affected with NBN-related conditions. Experimental studies and prediction algorithms are not available or were not evaluated, and the functional significance of this variant is currently unknown. In summary, the available evidence is currently insufficient to determine the role of this variant in disease. Therefore, it has been classified as a Variant of Uncertain Significance. This sequence change creates a premature translational stop signal (p.His733Glnfs*9) in the NBN gene. While this is not anticipated to result in nonsense mediated decay, it is expected to disrupt the last 22 amino acid(s) of the NBN protein.